The following is an entry in ClinVar:

NM_153717.3(EVC):c.1489C>T (p.Gln497Ter)

Gene: EVC (EvC ciliary complex subunit 1; plus strand). Cytogenetic location: 4p16.2.
Variant type: single nucleotide variant.
Coding change: c.1489C>T on transcript NM_153717.3 (MANE Select); coding-DNA position 1489, C replaced by T.
Protein change: p.Gln497Ter; replaces glutamine 497 with a stop codon.
Molecular consequence: nonsense.
Genome position (GRCh38, 1-based): chr4:5,756,288, C>T. VCF-style: chr4-5756288-C-T. GRCh37 (hg19) VCF-style: chr4-5758015-C-T.
Other names: c.1489C>T, p.Gln497Ter (NM_001306090.2, NM_001306092.2); short protein forms Q497*.
Identifiers: ClinVar variation 632444 (VCV000632444.7), dbSNP rs1460597472, ClinGen allele CA356157434.
Genomic context (GRCh38, chr4:5,756,288, plus strand): 5'-TGTTTCTACCAGACTCAGCTCTTGTTTTCCTCACAGGCTTTTCATGAGGTCCTGGAGAGG[C>T]AGAGGCTGATGCAGTGTGACCTGGAGGAAGAGGAGAATGTCAGAGCCACCGAGGCTGTGG-3'

ClinVar aggregate classification (germline): Pathogenic (1 of 4 stars; one submission).

Conditions:
Curry-Hall syndrome (WAD). Also called: WEYERS ACRODENTAL DYSOSTOSIS. Identifiers: Orphanet 952, MedGen C0457013, MONDO:0008673, OMIM 193530.
Ellis-van Creveld syndrome (EVC). Also called: EVC-Related Ellis-van Creveld Syndrome; EVC2-Related Ellis-van Creveld Syndrome; Chondroectodermal dysplasia; MESOECTODERMAL DYSPLASIA. Identifiers: Orphanet 289, MedGen C0013903, MONDO:0009162, OMIM 225500.

Allele frequency attached by ClinVar (database versions not stated): gnomAD exomes 0.00001; TOPMed 0.00001.
gnomAD v4.1: 19 of 1,612,946 alleles (0.0012%); highest among the groups gnomAD compares: Admixed American, 0.0017%; no homozygotes.

Submission:

Labcorp Genetics (formerly Invitae), Labcorp
Classification: Pathogenic for Curry-Hall syndrome; Ellis-van Creveld syndrome. Last evaluated: 2023-08-31. Review status: criteria provided, single submitter. Criteria: Invitae Variant Classification Sherloc (09022015). Collection method: clinical testing. Allele origin: germline.
Comment: For these reasons, this variant has been classified as Pathogenic. ClinVar contains an entry for this variant (Variation ID: 632444). This variant has not been reported in the literature in individuals affected with EVC-related conditions. This variant is present in population databases (no rsID available, gnomAD 0.002%). This sequence change creates a premature translational stop signal (p.Gln497*) in the EVC gene. It is expected to result in an absent or disrupted protein product. Loss-of-function variants in EVC are known to be pathogenic (PMID: 23220543).

Literature cited by the submitters: PubMed 23220543.